The following is an entry in ClinVar:

NM_001367624.2(ZNF469):c.6941C>T (p.Pro2314Leu)

Gene: ZNF469 (zinc finger protein 469; plus strand). Cytogenetic location: 16q24.2.
Variant type: single nucleotide variant.
Coding change: c.6941C>T on transcript NM_001367624.2 (MANE Select); coding-DNA position 6941, C replaced by T.
Protein change: p.Pro2314Leu; replaces proline 2314 with leucine.
Molecular consequence: missense variant.
Genome position (GRCh38, 1-based): chr16:88,434,411, C>T. VCF-style: chr16-88434411-C-T. GRCh37 (hg19) VCF-style: chr16-88500819-C-T.
Other names: NM_001127464.1:c.6857C>T; short protein forms P2314L.
Identifiers: ClinVar variation 1303772 (VCV001303772.7), dbSNP rs764584228, ClinGen allele CA8225196.
Genomic context (GRCh38, chr16:88,434,411, plus strand): 5'-GAGATGAGGCACAGGCAGGCAGGGGACTCCCAGGGCCAGACCCCCAGAGCAGGGGAGCCC[C>T]GCCCCACACCAACCCTGACAGGATGCCCAGGGGCCACTCCTCGTATTCTCCAAGCAATAC-3'
Protein context (NP_001354553.1, residues 2304-2324): PGPDPQSRGA[Pro2314Leu]PHTNPDRMPR

ClinVar aggregate classification (germline): Uncertain significance. Review status: criteria provided, multiple submitters, no conflicts (2 of 4 stars). 4 submissions from 4 submitters: Uncertain significance (4). Last evaluated 2026-05-04.

Conditions:
Cardiovascular phenotype. Identifiers: MedGen CN230736.

Allele frequency attached by ClinVar (database versions not stated): TOPMed 0.00003; gnomAD exomes 0.00001; gnomAD 0.00003; ExAC 0.00006.
gnomAD v4.1: 20 of 1,549,630 alleles (0.0013%); highest among the groups gnomAD compares: African/African-American, 0.0055%; no homozygotes.

Submissions (4):

Women's Health and Genetics/Laboratory Corporation of America, LabCorp
Classification: Uncertain significance. Last evaluated: 2026-05-04. Review status: criteria provided, single submitter. Criteria: LabCorp Variant Classification Summary - May 2015. Collection method: clinical testing. Allele origin: germline.
Comment: Variant summary: ZNF469 c.6941C>T (p.Pro2314Leu) results in a non-conservative amino acid change in the encoded protein sequence. Algorithms developed to predict the effect of missense changes on protein structure and function are either unavailable or do not agree on the potential impact of this missense change. The variant allele was found at a frequency of 1.3e-05 in 149824 control chromosomes. The available data on variant occurrences in the general population are insufficient to allow any conclusion about variant significance. To our knowledge, no occurrence of c.6941C>T in individuals affected with ZNF469-related conditions and no experimental evidence demonstrating its impact on protein function have been reported. ClinVar contains an entry for this variant (Variation ID: 1303772). Based on the evidence outlined above, the variant was classified as uncertain significance.

Ambry Genetics
Classification: Uncertain significance for Cardiovascular phenotype. Last evaluated: 2024-11-30. Review status: criteria provided, single submitter. Criteria: Ambry Variant Classification Scheme 2023. Collection method: clinical testing. Allele origin: germline.
Comment: The p.P2286L variant (also known as c.6857C>T), located in coding exon 2 of the ZNF469 gene, results from a C to T substitution at nucleotide position 6857. The proline at codon 2286 is replaced by leucine, an amino acid with similar properties. This amino acid position is conserved. In addition, this alteration is predicted to be tolerated by in silico analysis. Since supporting evidence is limited at this time, the clinical significance of this alteration remains unclear.

Labcorp Genetics (formerly Invitae), Labcorp
Classification: Uncertain significance. Last evaluated: 2024-01-06. Review status: criteria provided, single submitter. Criteria: Invitae Variant Classification Sherloc (09022015). Collection method: clinical testing. Allele origin: germline.
Comment: This sequence change replaces proline, which is neutral and non-polar, with leucine, which is neutral and non-polar, at codon 2286 of the ZNF469 protein (p.Pro2286Leu). This variant is present in population databases (rs764584228, gnomAD 0.01%). This variant has not been reported in the literature in individuals affected with ZNF469-related conditions. ClinVar contains an entry for this variant (Variation ID: 1303772). Algorithms developed to predict the effect of missense changes on protein structure and function output the following: SIFT: "Not Available"; PolyPhen-2: "Benign"; Align-GVGD: "Not Available". The leucine amino acid residue is found in multiple mammalian species, which suggests that this missense change does not adversely affect protein function. In summary, the available evidence is currently insufficient to determine the role of this variant in disease. Therefore, it has been classified as a Variant of Uncertain Significance.

GeneDx
Classification: Uncertain significance. Last evaluated: 2019-12-03. Review status: criteria provided, single submitter. Criteria: GeneDx Variant Classification Process June 2021. Collection method: clinical testing. Allele origin: germline. Affected: yes.
Comment: Not observed at a significant frequency in large population cohorts (Lek et al., 2016); In silico analysis, which includes protein predictors and evolutionary conservation, supports that this variant does not alter protein structure/function; Has not been previously published as pathogenic or benign to our knowledge